The following is an entry in ClinVar:

NM_001385079.1(PDE10A):c.1959C>G (p.Ser653Arg)

Gene: PDE10A (phosphodiesterase 10A; minus strand). Cytogenetic location: 6q27.
Variant type: single nucleotide variant.
Coding change: c.1959C>G on transcript NM_001385079.1 (MANE Select); coding-DNA position 1959, C replaced by G.
Protein change: p.Ser653Arg; replaces serine 653 with arginine.
Molecular consequence: missense variant.
Genome position (GRCh38, 1-based): chr6:165,413,618, G>C on the plus strand (C>G on the coding strand, the complement: PDE10A is on the minus strand). VCF-style: chr6-165413618-G-C. GRCh37 (hg19) VCF-style: chr6-165827106-G-C.
Other names: c.1161C>G, p.Ser387Arg (NM_001130690.3); c.1131C>G, p.Ser377Arg (NM_006661.4); short protein forms S653R, S387R, S377R.
Identifiers: ClinVar variation 2859886 (VCV002859886.3), dbSNP rs1265136154, ClinGen allele CA366395388.

ClinVar aggregate classification (germline): Uncertain significance (1 of 4 stars; one submission).

Submission:

Labcorp Genetics (formerly Invitae), Labcorp
Classification: Uncertain significance. Last evaluated: 2024-01-30. Review status: criteria provided, single submitter. Criteria: Invitae Variant Classification Sherloc (09022015). Collection method: clinical testing. Allele origin: germline.
Comment: This sequence change replaces serine, which is neutral and polar, with arginine, which is basic and polar, at codon 387 of the PDE10A protein (p.Ser387Arg). This variant is present in population databases (no rsID available, gnomAD 0.009%). This variant has not been reported in the literature in individuals affected with PDE10A-related conditions. Advanced modeling of protein sequence and biophysical properties (such as structural, functional, and spatial information, amino acid conservation, physicochemical variation, residue mobility, and thermodynamic stability) performed at Invitae indicates that this missense variant is not expected to disrupt PDE10A protein function with a negative predictive value of 80%. In summary, the available evidence is currently insufficient to determine the role of this variant in disease. Therefore, it has been classified as a Variant of Uncertain Significance.